The following is an entry in ClinVar:

NM_000718.4(CACNA1B):c.2681A>G (p.Lys894Arg)

Gene: CACNA1B (calcium voltage-gated channel subunit alpha1 B; plus strand). Cytogenetic location: 9q34.3.
Variant type: single nucleotide variant.
Coding change: c.2681A>G on transcript NM_000718.4 (MANE Select); coding-DNA position 2681, A replaced by G.
Protein change: p.Lys894Arg; replaces lysine 894 with arginine.
Molecular consequence: missense variant.
Genome position (GRCh38, 1-based): chr9:138,023,424, A>G. VCF-style: chr9-138023424-A-G. GRCh37 (hg19) VCF-style: chr9-140917876-A-G.
Other names: c.2681A>G, p.Lys894Arg (NM_001243812.2); short protein forms K894R.
Identifiers: ClinVar variation 3239620 (VCV003239620.19), dbSNP rs550100275.

ClinVar aggregate classification (germline): Uncertain significance (1 of 4 stars; one submission).

gnomAD v4.1: 10 of 1,287,494 alleles (0.00078%); highest among the groups gnomAD compares: Non-Finnish European, 0.00098%; no homozygotes.

Submission:

CeGaT Center for Human Genetics Tuebingen
Classification: Uncertain significance. Last evaluated: 2024-05-01. Review status: criteria provided, single submitter. Criteria: CeGaT Center For Human Genetics Tuebingen Variant Classification Criteria Version 2. Collection method: clinical testing. Allele origin: germline. Affected: yes. Observed: 1 variant allele.
Comment: CACNA1B: PM2, PP3